The following is an entry in ClinVar:

ClinVar aggregate classification (germline): Uncertain significance (1 of 4 stars; one submission).

Conditions:
Dilated cardiomyopathy 1DD (CMD1DD). Identifiers: Orphanet 154, MedGen C2750995, MONDO:0013168, OMIM 613172.

gnomAD v4.1: 5 of 1,551,732 alleles (0.00032%); highest among the groups gnomAD compares: Non-Finnish European, 0.00035%; no homozygotes.

Submission:

Labcorp Genetics (formerly Invitae), Labcorp
Classification: Uncertain significance for Dilated cardiomyopathy 1DD. Last evaluated: 2024-09-14. Review status: criteria provided, single submitter. Criteria: Invitae Variant Classification Sherloc (09022015). Collection method: clinical testing. Allele origin: germline.
Comment: This sequence change replaces alanine, which is neutral and non-polar, with valine, which is neutral and non-polar, at codon 115 of the RBM20 protein (p.Ala115Val). This variant is not present in population databases (gnomAD no frequency). This variant has not been reported in the literature in individuals affected with RBM20-related conditions. Invitae Evidence Modeling of protein sequence and biophysical properties (such as structural, functional, and spatial information, amino acid conservation, physicochemical variation, residue mobility, and thermodynamic stability) indicates that this missense variant is not expected to disrupt RBM20 protein function with a negative predictive value of 95%. In summary, the available evidence is currently insufficient to determine the role of this variant in disease. Therefore, it has been classified as a Variant of Uncertain Significance.

NM_001134363.3(RBM20):c.344C>T (p.Ala115Val)

Gene: RBM20 (RNA binding motif protein 20; plus strand). Cytogenetic location: 10q25.2.
Variant type: single nucleotide variant.
Coding change: c.344C>T on transcript NM_001134363.3 (MANE Select); coding-DNA position 344, C replaced by T.
Protein change: p.Ala115Val; replaces alanine 115 with valine.
Molecular consequence: missense variant.
Genome position (GRCh38, 1-based): chr10:110,780,953, C>T. VCF-style: chr10-110780953-C-T. GRCh37 (hg19) VCF-style: chr10-112540711-C-T.
Other names: short protein forms A115V.
Identifiers: ClinVar variation 3719991 (VCV003719991.1).
Genomic context (GRCh38, chr10:110,780,953, plus strand): 5'-AGGCCCAGCTCACCCTCCACCGGCTGAAGCTGGCACAGACAGCTGTCACCAACAACACTG[C>T]AGCCGCCACAGTCCTGAACCAAGTCCTCTCCAAAGTGGCCATGTCCCAGCCTCTCTTCAA-3'
Protein context (NP_001127835.2, residues 105-125): LAQTAVTNNT[Ala115Val]AATVLNQVLS